The following is an entry in ClinVar:

NM_033310.3(KCNK4):c.968C>G (p.Pro323Arg)

Genes: KCNK4 (potassium two pore domain channel subfamily K member 4; plus strand), KCNK4-CATSPERZ (KCNK4-CATSPERZ readthrough (NMD candidate); plus strand). Cytogenetic location: 11q13.1.
Variant type: single nucleotide variant.
Coding change: c.968C>G on transcript NM_033310.3 (MANE Select); coding-DNA position 968, C replaced by G.
Protein change: p.Pro323Arg; replaces proline 323 with arginine.
Molecular consequence: missense variant. On other transcripts: non-coding transcript variant (3).
Genome position (GRCh38, 1-based): chr11:64,299,512, C>G. VCF-style: chr11-64299512-C-G. GRCh37 (hg19) VCF-style: chr11-64066984-C-G.
Other names: c.968C>G, p.Pro323Arg (NM_001317090.2); short protein forms P323R.
Identifiers: ClinVar variation 1487672 (VCV001487672.6), dbSNP rs752675226, ClinGen allele CA6073225.

ClinVar aggregate classification (germline): Uncertain significance (1 of 4 stars; one submission).

Allele frequency attached by ClinVar (database versions not stated): ExAC 0.00001.
gnomAD v4.1: 5 of 1,609,454 alleles (0.00031%); highest among the groups gnomAD compares: African/African-American, 0.0013%; no homozygotes.

Submission:

Labcorp Genetics (formerly Invitae), Labcorp
Classification: Uncertain significance. Last evaluated: 2024-11-09. Review status: criteria provided, single submitter. Criteria: Invitae Variant Classification Sherloc (09022015). Collection method: clinical testing. Allele origin: germline.
Comment: This sequence change replaces proline, which is neutral and non-polar, with arginine, which is basic and polar, at codon 323 of the KCNK4 protein (p.Pro323Arg). This variant is present in population databases (rs752675226, gnomAD 0.007%). This variant has not been reported in the literature in individuals affected with KCNK4-related conditions. ClinVar contains an entry for this variant (Variation ID: 1487672). An algorithm developed to predict the effect of missense changes on protein structure and function (PolyPhen-2) suggests that this variant is likely to be tolerated. In summary, the available evidence is currently insufficient to determine the role of this variant in disease. Therefore, it has been classified as a Variant of Uncertain Significance.